The following is an entry in ClinVar:

NM_000455.5(STK11):c.180C>A (p.Tyr60Ter)

Gene: STK11 (serine/threonine kinase 11; plus strand). Cytogenetic location: 19p13.3.
Variant type: single nucleotide variant.
Coding change: c.180C>A on transcript NM_000455.5 (MANE Select); coding-DNA position 180, C replaced by A.
Protein change: p.Tyr60Ter; replaces tyrosine 60 with a stop codon.
Molecular consequence: nonsense.
Genome position (GRCh38, 1-based): chr19:1,207,093, C>A. VCF-style: chr19-1207093-C-A. GRCh37 (hg19) VCF-style: chr19-1207092-C-A.
Other names: short protein forms Y60*.
Identifiers: ClinVar variation 428750 (VCV000428750.15), dbSNP rs778376925, ClinGen allele CA402944198.

ClinVar aggregate classification (germline): Pathogenic. Review status: criteria provided, multiple submitters, no conflicts (2 of 4 stars). 3 submissions from 3 submitters: Pathogenic (3). Last evaluated 2026-01-14.

Conditions:
Hereditary cancer-predisposing syndrome. Also called: Hereditary neoplastic syndrome; Tumor predisposition; Neoplastic Syndromes, Hereditary; Hereditary Cancer Syndrome. Identifiers: Orphanet 140162, MedGen C0027672, MeSH D009386, MONDO:0015356.
Peutz-Jeghers syndrome (PJS). Also called: Peutz-Jeghers polyposis; Periorificial lentiginosis syndrome; POLYPOSIS, HAMARTOMATOUS INTESTINAL; POLYPS-AND-SPOTS SYNDROME. Identifiers: Orphanet 2869, MedGen C0031269, MeSH D010580, MONDO:0008280, OMIM 175200.

Submissions (3):

Labcorp Genetics (formerly Invitae), Labcorp
Classification: Pathogenic for Peutz-Jeghers syndrome. Last evaluated: 2026-01-14. Review status: criteria provided, single submitter. Criteria: Invitae Variant Classification Sherloc (09022015). Collection method: clinical testing. Allele origin: germline.
Comment: This sequence change creates a premature translational stop signal (p.Tyr60*) in the STK11 gene. It is expected to result in an absent or disrupted protein product. Loss-of-function variants in STK11 are known to be pathogenic (PMID: 15188174, 16287113). This variant is not present in population databases (gnomAD no frequency). This premature translational stop signal has been observed in individual(s) with Peutz-Jeghers syndrome (PMID: 9428765, 10353780, 16287113, 17026623, 24037887). ClinVar contains an entry for this variant (Variation ID: 428750). For these reasons, this variant has been classified as Pathogenic.

Genome-Nilou Lab
Classification: Pathogenic for Peutz-Jeghers syndrome. Last evaluated: 2021-07-15. Review status: criteria provided, single submitter. Criteria: ACMG Guidelines, 2015. Collection method: clinical testing. Allele origin: germline. Affected: no.

Ambry Genetics
Classification: Pathogenic for Hereditary cancer-predisposing syndrome. Last evaluated: 2021-06-28. Review status: criteria provided, single submitter. Criteria: Ambry Variant Classification Scheme 2023. Collection method: clinical testing. Allele origin: germline.
Comment: The p.Y60* pathogenic mutation (also known as c.180C>A), located in coding exon 1 of the STK11 gene, results from a C to A substitution at nucleotide position 180. This changes the amino acid from a tyrosine to a stop codon within coding exon 1. This alteration has been reported in multiple patients with clinical diagnoses of Peutz-Jeghers syndrome (Wang ZJ et al. J Med Genet, 1999 May;36:365-8; Lim W et al. Br J Cancer, 2003 Jul;89:308-13; Chow E et al. Clin Genet, 2006 Nov;70:409-14; Papp J et al. BMC Med Genet, 2010 Nov;11:169; Baynam G et al. BMJ Case Rep, 2011 Sep;2011:). In addition to the clinical data presented in the literature, this alteration is expected to result in loss of function by premature protein truncation or nonsense-mediated mRNA decay. As such, this alteration is interpreted as a disease-causing mutation.

Literature cited by the submitters: PubMed 15188174 (cited by Labcorp Genetics (formerly Invitae), Labcorp); PubMed 16287113 (cited by Labcorp Genetics (formerly Invitae), Labcorp); PubMed 9428765 (cited by Labcorp Genetics (formerly Invitae), Labcorp and Ambry Genetics); PubMed 10353780 (cited by Labcorp Genetics (formerly Invitae), Labcorp and Ambry Genetics); PubMed 17026623 (cited by Labcorp Genetics (formerly Invitae), Labcorp and Ambry Genetics); PubMed 24037887 (cited by Labcorp Genetics (formerly Invitae), Labcorp and Ambry Genetics); PubMed 12865922 (cited by Ambry Genetics); PubMed 21118512 (cited by Ambry Genetics); PubMed 22679258 (cited by Ambry Genetics).